The following is an entry in ClinVar:

ClinVar aggregate classification (germline): Uncertain significance (1 of 4 stars; one submission).

Conditions:
Low phospholipid associated cholelithiasis (GBD1). Also called: Gallbladder disease 1; Gallstone cholecystitis. Identifiers: Orphanet 69663, MedGen C2609268, MONDO:0010939, OMIM 600803.

gnomAD v4.1: 1 of 1,614,012 alleles (0.000062%); highest among the groups gnomAD compares: Non-Finnish European, 0.000085%; no homozygotes.

Submission:

Genomenon, Inc
Classification: Uncertain significance for Low phospholipid associated cholelithiasis. Last evaluated: 2026-04-14. Review status: criteria provided, single submitter. Criteria: Genomenon Sequence Variant Interpretation Standards - Updated. Collection method: curation. Allele origin: germline. Affected: yes.
Comment: ABCB4 p.Gly1178Ser (c.3532G>A) is a missense variant that changes the amino acid at residue 1178 from Glycine to Serine. This variant has been observed in at least one proband with an ABCB4-related disorder (PMID:28012258). At least one functional study has demonstrated a substantial alteration in protein function relative to the wild-type (PMID:28012258). It is absent or not present at a significant frequency in gnomAD. In silico models predict that this variant is possibly or probably damaging. In conclusion, we classify ABCB4 p.Gly1178Ser (c.3532G>A) as a variant of uncertain significance.

Literature cited by the submitters: PubMed 28012258.

NM_000443.4(ABCB4):c.3532G>A (p.Gly1178Ser)

Gene: ABCB4 (ATP binding cassette subfamily B member 4; minus strand). Cytogenetic location: 7q21.12.
Variant type: single nucleotide variant.
Coding change: c.3532G>A on transcript NM_000443.4 (MANE Select); coding-DNA position 3532, G replaced by A.
Protein change: p.Gly1178Ser; replaces glycine 1178 with serine.
Molecular consequence: missense variant.
Genome position (GRCh38, 1-based): chr7:87,403,236, C>T on the plus strand (G>A on the coding strand, the complement: ABCB4 is on the minus strand). VCF-style: chr7-87403236-C-T. GRCh37 (hg19) VCF-style: chr7-87032552-C-T.
Other names: c.3553G>A, p.Gly1185Ser (NM_018849.3); c.3391G>A, p.Gly1131Ser (NM_018850.3); short protein forms G1131S, G1178S, G1185S.
Identifiers: ClinVar variation 4846458 (VCV004846458.1).